The following is an entry in ClinVar:

NM_000051.4(ATM):c.663-13T>C

Gene: ATM (ATM serine/threonine kinase; plus strand). Cytogenetic location: 11q22.3.
Variant type: single nucleotide variant.
Coding change: c.663-13T>C on transcript NM_000051.4 (MANE Select); 13 bases into the intron before coding-DNA position 663, T replaced by C.
Molecular consequence: intron variant.
Genome position (GRCh38, 1-based): chr11:108,244,775, T>C. VCF-style: chr11-108244775-T-C. GRCh37 (hg19) VCF-style: chr11-108115502-T-C.
Other names: c.663-13T>C (NM_001351834.2).
Identifiers: ClinVar variation 2714220 (VCV002714220.3), dbSNP rs2497145966, ClinGen allele CA2697548986.

ClinVar aggregate classification (germline): Uncertain significance (1 of 4 stars; one submission).

Conditions:
Ataxia-telangiectasia syndrome (AT). Also called: ATAXIA-TELANGIECTASIA, COMPLEMENTATION GROUP A; ATAXIA-TELANGIECTASIA, FRESNO VARIANT; Ataxia-telangiectasia, complementation group D; LOUIS-BAR SYNDROME; AT, COMPLEMENTATION GROUP C; Ataxia-telangiectasia. Identifiers: Orphanet 100, MedGen C0004135, MONDO:0008840, OMIM 208900.

Submission:

Labcorp Genetics (formerly Invitae), Labcorp
Classification: Uncertain significance for Ataxia-telangiectasia syndrome. Last evaluated: 2024-01-30. Review status: criteria provided, single submitter. Criteria: Invitae Variant Classification Sherloc (09022015). Collection method: clinical testing. Allele origin: germline.
Comment: This sequence change falls in intron 6 of the ATM gene. It does not directly change the encoded amino acid sequence of the ATM protein. This variant is not present in population databases (gnomAD no frequency). This variant has not been reported in the literature in individuals affected with ATM-related conditions. Algorithms developed to predict the effect of sequence changes on RNA splicing suggest that this variant may disrupt the consensus splice site. In summary, the available evidence is currently insufficient to determine the role of this variant in disease. Therefore, it has been classified as a Variant of Uncertain Significance.